The following is an entry in ClinVar:

NM_003126.4(SPTA1):c.3389A>G (p.Asn1130Ser)

Gene: SPTA1 (spectrin alpha, erythrocytic 1; minus strand). Cytogenetic location: 1q23.1.
Variant type: single nucleotide variant.
Coding change: c.3389A>G on transcript NM_003126.4 (MANE Select); coding-DNA position 3389, A replaced by G.
Protein change: p.Asn1130Ser; replaces asparagine 1130 with serine.
Molecular consequence: missense variant.
Genome position (GRCh38, 1-based): chr1:158,651,455, T>C on the plus strand (A>G on the coding strand, the complement: SPTA1 is on the minus strand). VCF-style: chr1-158651455-T-C. GRCh37 (hg19) VCF-style: chr1-158621245-T-C.
Other names: short protein forms N1130S.
Identifiers: ClinVar variation 811738 (VCV000811738.16), dbSNP rs202016242, ClinGen allele CA1183067.

ClinVar aggregate classification (germline): Conflicting classifications of pathogenicity. Review status: criteria provided, conflicting classifications (1 of 4 stars). 3 submissions from 3 submitters: Uncertain significance (2); Benign (1). Last evaluated 2025-09-28.

Allele frequency attached by ClinVar (database versions not stated): gnomAD exomes 0.00004 and 0.00011; 1000 Genomes Project 30x 0.00016; ExAC 0.00017; 1000 Genomes Project 0.00020; ESP Exome Variant Server 0.00050; gnomAD 0.00059 and 0.00066; TOPMed 0.00059.
gnomAD v4.1: 149 of 1,612,738 alleles (0.0092%); highest among the groups gnomAD compares: African/African-American, 0.19%; no homozygotes.

Submissions (3):

Labcorp Genetics (formerly Invitae), Labcorp
Classification: Benign. Last evaluated: 2025-09-28. Review status: criteria provided, single submitter. Criteria: Invitae Variant Classification Sherloc (09022015). Collection method: clinical testing. Allele origin: germline.

ARUP Laboratories, Molecular Genetics and Genomics, ARUP Laboratories
Classification: Uncertain significance. Last evaluated: 2025-06-13. Review status: criteria provided, single submitter. Criteria: ARUP Molecular Germline Variant Investigation Process 2024. Collection method: clinical testing. Allele origin: germline.
Comment: The SPTA1 c.3389A>G; p.Asn1130Ser variant (rs202016242), to our knowledge, is not reported in the medical literature but is reported in ClinVar (Variation ID: 811738). This variant is found predominantly in the African/African American population with an allele frequency of 0.2% (50/24194 alleles) in the Genome Aggregation Database (v2.1.1). Computational analyses are uncertain whether this variant is neutral or deleterious (REVEL: 0.3). Due to limited information, the significance of this variant is uncertain at this time.

Revvity Omics, Revvity
Classification: Uncertain significance. Last evaluated: 2024-01-15. Review status: criteria provided, single submitter. Criteria: ACMG Guidelines, 2015. Collection method: clinical testing. Allele origin: germline.